The following is an entry in ClinVar:

NM_030928.4(CDT1):c.1325C>T (p.Pro442Leu)

Gene: CDT1 (chromatin licensing and DNA replication factor 1; plus strand). Cytogenetic location: 16q24.3.
Variant type: single nucleotide variant.
Coding change: c.1325C>T on transcript NM_030928.4 (MANE Select); coding-DNA position 1325, C replaced by T.
Protein change: p.Pro442Leu; replaces proline 442 with leucine.
Molecular consequence: missense variant.
Genome position (GRCh38, 1-based): chr16:88,807,330, C>T. VCF-style: chr16-88807330-C-T. GRCh37 (hg19) VCF-style: chr16-88873738-C-T.
Other names: c.1325C>T (NM_030928.3); short protein forms P442L.
Identifiers: ClinVar variation 1450949 (VCV001450949.5), dbSNP rs200199040, ClinGen allele CA8234120.

ClinVar aggregate classification (germline): Uncertain significance. Review status: criteria provided, multiple submitters, no conflicts (2 of 4 stars). 2 submissions from 2 submitters: Uncertain significance (2). Last evaluated 2024-11-25.

Conditions:
Inborn genetic diseases. Identifiers: MedGen C0950123, MeSH D030342.

Allele frequency attached by ClinVar (database versions not stated): gnomAD 0.00029; ExAC 0.00009; 1000 Genomes Project 0.00060; 1000 Genomes Project 30x 0.00094; gnomAD exomes 0.00007.

Submissions (2):

Ambry Genetics
Classification: Uncertain significance for Inborn genetic diseases. Last evaluated: 2024-11-25. Review status: criteria provided, single submitter. Criteria: Ambry Variant Classification Scheme 2023. Collection method: clinical testing. Allele origin: germline.

Labcorp Genetics (formerly Invitae), Labcorp
Classification: Uncertain significance. Last evaluated: 2021-11-18. Review status: criteria provided, single submitter. Criteria: Invitae Variant Classification Sherloc (09022015). Collection method: clinical testing. Allele origin: germline.
Comment: This sequence change replaces proline, which is neutral and non-polar, with leucine, which is neutral and non-polar, at codon 442 of the CDT1 protein (p.Pro442Leu). This variant is present in population databases (rs200199040, gnomAD 0.08%). This variant has not been reported in the literature in individuals affected with CDT1-related conditions. Algorithms developed to predict the effect of missense changes on protein structure and function are either unavailable or do not agree on the potential impact of this missense change (SIFT: "Deleterious"; PolyPhen-2: "Probably Damaging"; Align-GVGD: "Class C0"). In summary, the available evidence is currently insufficient to determine the role of this variant in disease. Therefore, it has been classified as a Variant of Uncertain Significance.